The following is an entry in ClinVar:

NM_001395413.1(POR):c.1172del (p.Gln391fs)

Gene: POR (cytochrome p450 oxidoreductase; plus strand). Cytogenetic location: 7q11.23.
Variant type: Deletion.
Coding change: c.1172del on transcript NM_001395413.1 (MANE Select); coding-DNA position 1172, one base deleted (A; older notation c.1172delA).
Protein change: p.Gln391fs; shifts the reading frame from glutamine 391.
Molecular consequence: frameshift variant.
Genome position (GRCh38, 1-based): chr7:75,984,891, A deleted. VCF-style (leftmost placement, unchanged base first): chr7-75984890-CA-C. GRCh37 (hg19) VCF-style: chr7-75614208-CA-C.
Other names: c.1181delA, p.Gln394Argfs (NM_000941.2, NM_000941.3); c.1172del, p.Gln391fs (NM_001367562.3, NM_001382657.2, NM_001382658.3 and 2 more transcripts); c.1226del, p.Gln409fs (NM_001382655.3); short protein forms Q391fs, Q409fs.
Identifiers: ClinVar variation 3022306 (VCV003022306.3), dbSNP rs2535401475, ClinGen allele CA2683381858.
Genomic context (GRCh38, chr7:75,984,890, plus strand): 5'-CTCACCTACTACCTGGACATCACCAACCCGCCGCGTACCAACGTGCTGTACGAGCTGGCG[CA>C]GTACGCCTCGGAGCCCTCGGAGCAGGAGCTGCTGCGCAAGATGGCCTCCTCCTCCGGCGA-3'

ClinVar aggregate classification (germline): Pathogenic (1 of 4 stars; one submission).

Conditions:
Congenital adrenal hyperplasia due to cytochrome P450 oxidoreductase deficiency. Also called: DISORDERED STEROIDOGENESIS DUE TO POR DEFICIENCY. Identifiers: Orphanet 95699, MedGen C1860042, MONDO:0013310, OMIM 613571.

Allele frequency attached by ClinVar (database versions not stated): gnomAD exomes below 0.00001.

Submission:

Labcorp Genetics (formerly Invitae), Labcorp
Classification: Pathogenic for Congenital adrenal hyperplasia due to cytochrome P450 oxidoreductase deficiency. Last evaluated: 2023-04-06. Review status: criteria provided, single submitter. Criteria: Invitae Variant Classification Sherloc (09022015). Collection method: clinical testing. Allele origin: germline.
Comment: For these reasons, this variant has been classified as Pathogenic. This variant has not been reported in the literature in individuals affected with POR-related conditions. This variant is not present in population databases (gnomAD no frequency). This sequence change creates a premature translational stop signal (p.Gln394Argfs*27) in the POR gene. It is expected to result in an absent or disrupted protein product. Loss-of-function variants in POR are known to be pathogenic (PMID: 14758361, 20732302, 21741353).

Literature cited by the submitters: PubMed 14758361; PubMed 20732302; PubMed 21741353.